The following is an entry in ClinVar:

ClinVar aggregate classification (germline): Uncertain significance (1 of 4 stars; one submission).

Allele frequency attached by ClinVar (database versions not stated): gnomAD 0.00001.
gnomAD v4.1: 1 of 1,614,076 alleles (0.000062%); highest among the groups gnomAD compares: South Asian, 0.0011%; no homozygotes.

Submission:

CeGaT Center for Human Genetics Tuebingen
Classification: Uncertain significance. Last evaluated: 2024-04-01. Review status: criteria provided, single submitter. Criteria: CeGaT Center For Human Genetics Tuebingen Variant Classification Criteria Version 2. Collection method: clinical testing. Allele origin: germline. Affected: yes. Observed: 2 variant alleles.
Comment: PYGM: PM2, PM3, PP3

NM_005609.4(PYGM):c.190C>T (p.Leu64Phe)

Gene: PYGM (glycogen phosphorylase, muscle associated; minus strand). Cytogenetic location: 11q13.1.
Variant type: single nucleotide variant.
Coding change: c.190C>T on transcript NM_005609.4 (MANE Select); coding-DNA position 190, C replaced by T.
Protein change: p.Leu64Phe; replaces leucine 64 with phenylalanine.
Molecular consequence: missense variant.
Genome position (GRCh38, 1-based): chr11:64,759,709, G>A on the plus strand (C>T on the coding strand, the complement: PYGM is on the minus strand). VCF-style: chr11-64759709-G-A. GRCh37 (hg19) VCF-style: chr11-64527181-G-A.
Other names: c.190C>T, p.Leu64Phe (NM_001164716.1); short protein forms L64F.
Identifiers: ClinVar variation 3234462 (VCV003234462.20), dbSNP rs2058421040, ClinGen allele CA381112214.